The following is an entry in ClinVar:

NM_001194998.2(CEP152):c.261+1G>A

Gene: CEP152 (centrosomal protein 152; minus strand). Cytogenetic location: 15q21.1.
Variant type: single nucleotide variant.
Coding change: c.261+1G>A on transcript NM_001194998.2 (MANE Select); the canonical splice donor site of the intron after coding-DNA position 261, G replaced by A.
Molecular consequence: splice donor variant.
Genome position (GRCh38, 1-based): chr15:48,797,660, C>T on the plus strand (G>A on the coding strand, the complement: CEP152 is on the minus strand). VCF-style: chr15-48797660-C-T. GRCh37 (hg19) VCF-style: chr15-49089857-C-T.
Other names: c.261+1G>A (NM_014985.4).
Identifiers: ClinVar variation 2988000 (VCV002988000.3), dbSNP rs966888627, ClinGen allele CA269574030.

ClinVar aggregate classification (germline): Pathogenic (1 of 4 stars; one submission).

Allele frequency attached by ClinVar (database versions not stated): TOPMed below 0.00001; gnomAD 0.00001.
gnomAD v4.1: 7 of 1,614,020 alleles (0.00043%); highest among the groups gnomAD compares: Non-Finnish European, 0.00059%; no homozygotes.

Submission:

Labcorp Genetics (formerly Invitae), Labcorp
Classification: Pathogenic. Last evaluated: 2023-11-24. Review status: criteria provided, single submitter. Criteria: Invitae Variant Classification Sherloc (09022015). Collection method: clinical testing. Allele origin: germline.
Comment: This sequence change affects a donor splice site in intron 4 of the CEP152 gene. It is expected to disrupt RNA splicing. Variants that disrupt the donor or acceptor splice site typically lead to a loss of protein function (PMID: 16199547), and loss-of-function variants in CEP152 are known to be pathogenic (PMID: 21131973). This variant is present in population databases (no rsID available, gnomAD 0.002%). Disruption of this splice site has been observed in individuals with Seckel syndrome (PMID: 21131973). It has also been observed to segregate with disease in related individuals. Studies have shown that disruption of this splice site is associated with altered splicing resulting in multiple RNA products (PMID: 21131973). For these reasons, this variant has been classified as Pathogenic.

Literature cited by the submitters: PubMed 16199547; PubMed 21131973.